The following is an entry in ClinVar:

NM_198525.3(KIF7):c.2914G>C (p.Val972Leu)

Gene: KIF7 (kinesin family member 7; minus strand). Cytogenetic location: 15q26.1.
Variant type: single nucleotide variant.
Coding change: c.2914G>C on transcript NM_198525.3 (MANE Select); coding-DNA position 2914, G replaced by C.
Protein change: p.Val972Leu; replaces valine 972 with leucine.
Molecular consequence: missense variant.
Genome position (GRCh38, 1-based): chr15:89,631,692, C>G on the plus strand (G>C on the coding strand, the complement: KIF7 is on the minus strand). VCF-style: chr15-89631692-C-G. GRCh37 (hg19) VCF-style: chr15-90174923-C-G.
Other names: short protein forms V972L.
Identifiers: ClinVar variation 3629147 (VCV003629147.2).
Genomic context (GRCh38, chr15:89,631,692, plus strand): 5'-GCTGCCCGCTCTTCTCGGACAGCTCCTTCTCCAGGTGCTCCAGCCGGCTGGACACTCGCA[C>G]GATGTCCTCGTTGAGGGCCTGGGGGCAGAATCACCAGGGATTAGAGAAGGAACAGGCACT-3'
Protein context (NP_940927.2, residues 962-982): RSSQALNEDI[Val972Leu]RVSSRLEHLE

ClinVar aggregate classification (germline): Uncertain significance (1 of 4 stars; one submission).

Conditions:
Acrocallosal syndrome (ACLS). Also called: HALLUX DUPLICATION, POSTAXIAL POLYDACTYLY, AND ABSENCE OF CORPUS CALLOSUM; Schinzel syndrome 1; Absence of corpus callosum with unusual facial appearance, mental deficiency, duplication of the halluces and polydactyly. Identifiers: Orphanet 36, MedGen C0796147, MONDO:0008708, OMIM 200990.

gnomAD v4.1: 4 of 1,554,470 alleles (0.00026%); highest among the groups gnomAD compares: Admixed American, 0.0038%; no homozygotes.

Submission:

Labcorp Genetics (formerly Invitae), Labcorp
Classification: Uncertain significance for Acrocallosal syndrome. Last evaluated: 2024-09-14. Review status: criteria provided, single submitter. Criteria: Invitae Variant Classification Sherloc (09022015). Collection method: clinical testing. Allele origin: germline.
Comment: This sequence change replaces valine, which is neutral and non-polar, with leucine, which is neutral and non-polar, at codon 972 of the KIF7 protein (p.Val972Leu). This variant is present in population databases (no rsID available, gnomAD 0.008%). This variant has not been reported in the literature in individuals affected with KIF7-related conditions. Invitae Evidence Modeling of protein sequence and biophysical properties (such as structural, functional, and spatial information, amino acid conservation, physicochemical variation, residue mobility, and thermodynamic stability) indicates that this missense variant is not expected to disrupt KIF7 protein function with a negative predictive value of 80%. In summary, the available evidence is currently insufficient to determine the role of this variant in disease. Therefore, it has been classified as a Variant of Uncertain Significance.